The following is an entry in ClinVar:

ClinVar aggregate classification (germline): Likely benign (0 of 4 stars; one submission).

Conditions:
SEMA3G-related disorder. Also called: SEMA3G-related condition.

Submission:

PreventionGenetics, part of Exact Sciences
Classification: Likely benign for SEMA3G-related condition. Last evaluated: 2021-05-19. Review status: no assertion criteria provided. Collection method: clinical testing. Allele origin: germline.
Comment: This variant is classified as likely benign based on ACMG/AMP sequence variant interpretation guidelines (Richards et al. 2015 PMID: 25741868, with internal and published modifications).

NM_020163.3(SEMA3G):c.1218G>A (p.Gln406=)

Gene: SEMA3G (semaphorin 3G; minus strand). Cytogenetic location: 3p21.1.
Variant type: single nucleotide variant.
Coding change: c.1218G>A on transcript NM_020163.3 (MANE Select); coding-DNA position 1218, G replaced by A.
Protein change: p.Gln406=; no amino-acid change (glutamine 406 retained).
Molecular consequence: synonymous variant.
Genome position (GRCh38, 1-based): chr3:52,440,024, C>T on the plus strand (G>A on the coding strand, the complement: SEMA3G is on the minus strand). VCF-style: chr3-52440024-C-T. GRCh37 (hg19) VCF-style: chr3-52474040-C-T.
Identifiers: ClinVar variation 3357251 (VCV003357251.1).